The following is an entry in ClinVar:

ClinVar aggregate classification (germline): Uncertain significance. Review status: criteria provided, multiple submitters, no conflicts (2 of 4 stars). 2 submissions from 2 submitters: Uncertain significance (2). Last evaluated 2024-01-09.

Allele frequency attached by ClinVar (database versions not stated): ExAC 0.00002; 1000 Genomes Project 0.00020; 1000 Genomes Project 30x 0.00031.
gnomAD v4.1: 68 of 1,572,544 alleles (0.0043%); highest among the groups gnomAD compares: East Asian, 0.025%; no homozygotes.

Submissions (2):

Ambry Genetics
Classification: Uncertain significance. Last evaluated: 2024-01-09. Review status: criteria provided, single submitter. Criteria: Ambry Variant Classification Scheme 2023. Collection method: clinical testing. Allele origin: germline.

Labcorp Genetics (formerly Invitae), Labcorp
Classification: Uncertain significance. Last evaluated: 2022-09-09. Review status: criteria provided, single submitter. Criteria: Invitae Variant Classification Sherloc (09022015). Collection method: clinical testing. Allele origin: germline.
Comment: In summary, the available evidence is currently insufficient to determine the role of this variant in disease. Therefore, it has been classified as a Variant of Uncertain Significance. Algorithms developed to predict the effect of missense changes on protein structure and function are either unavailable or do not agree on the potential impact of this missense change (SIFT: "Deleterious"; PolyPhen-2: "Benign"; Align-GVGD: "Class C0"). This variant has not been reported in the literature in individuals affected with DGKZ-related conditions. The frequency data for this variant in the population databases is considered unreliable, as metrics indicate poor data quality at this position in the gnomAD database. This sequence change replaces arginine, which is basic and polar, with tryptophan, which is neutral and slightly polar, at codon 22 of the DGKZ protein (p.Arg22Trp).

NM_001199267.2(DGKZ):c.162-971C>T

Gene: DGKZ (diacylglycerol kinase zeta; plus strand). Cytogenetic location: 11p11.2.
Variant type: single nucleotide variant.
Coding change: c.162-971C>T on transcript NM_001199267.2 (MANE Select); 971 bases into the intron before coding-DNA position 162, C replaced by T.
Molecular consequence: intron variant. On other transcripts: missense variant (1).
Genome position (GRCh38, 1-based): chr11:46,366,320, C>T. VCF-style: chr11-46366320-C-T. GRCh37 (hg19) VCF-style: chr11-46387870-C-T.
Other names: c.64C>T (NM_001105540.1); c.64C>T, p.Arg22Trp (NM_001105540.2); c.213-971C>T (NM_201532.3); c.177-971C>T (NM_201533.3); c.162-971C>T (NM_001199266.2, NM_003646.4, NM_001199268.2); short protein forms R22W.
Identifiers: ClinVar variation 1907931 (VCV001907931.6), dbSNP rs534357697, ClinGen allele CA5962055.